The following is an entry in ClinVar:

ClinVar aggregate classification (germline): Pathogenic. Review status: criteria provided, multiple submitters, no conflicts (2 of 4 stars). 2 submissions from 2 submitters: Pathogenic (2). Last evaluated 2019-05-28.

Conditions:
X-linked severe congenital neutropenia (SCNX). Identifiers: Orphanet 86788, MedGen C1845987, MONDO:0010294, OMIM 300299.

Submissions (2):

Mendelics
Classification: Pathogenic for X-linked severe congenital neutropenia. Last evaluated: 2019-05-28. Review status: criteria provided, single submitter. Criteria: Mendelics Assertion Criteria 2017. Collection method: clinical testing. Allele origin: unknown.

GeneDx
Classification: Pathogenic. Last evaluated: 2018-06-29. Review status: criteria provided, single submitter. Criteria: GeneDx Variant Classification (06012015). Collection method: clinical testing. Allele origin: germline. Affected: yes.
Comment: The c.1058delC pathogenic variant in the WAS gene has been reported previously in association with Wiskott-Aldrich syndrome as c.1088delC using alternative nomenclature (Wengler et al., 1995). The deletion causes a frameshift starting with codon Proline 353, changes this amino acid to a Histidine residue and creates a premature Stop codon at position 92 of the new reading frame, denoted p.Pro353HisfsX92. This pathogenic variant is predicted to cause loss of normal protein function either through protein truncation or nonsense-mediated mRNA decay. The variant is not observed in large population cohorts (Lek et al., 2016). In summary, we consider this variant to be pathogenic.

NM_000377.3(WAS):c.1058del (p.Pro353fs)

Gene: WAS (WASP actin nucleation promoting factor; plus strand). Cytogenetic location: Xp11.23.
Variant type: Deletion.
Coding change: c.1058del on transcript NM_000377.3 (MANE Select); coding-DNA position 1058, one base deleted (C; older notation c.1058delC).
Protein change: p.Pro353fs; shifts the reading frame from proline 353.
Molecular consequence: frameshift variant.
Genome position (GRCh38, 1-based): chrX:48,688,786, C deleted; the last of 5 consecutive C bases (chrX:48,688,782-48,688,786); deleting any one gives the same sequence. VCF-style (leftmost placement, unchanged base first): chrX-48688781-AC-A. GRCh37 (hg19) VCF-style: chrX-48547170-AC-A.
Other names: c.1058delC (NM_000377.2); short protein forms P353fs.
Identifiers: ClinVar variation 449516 (VCV000449516.3), dbSNP rs1557007165, ClinGen allele CA516356341.